The following is an entry in ClinVar:

ClinVar aggregate classification (germline): Uncertain significance (1 of 4 stars; one submission).

Submission:

GeneDx
Classification: Uncertain significance. Last evaluated: 2024-10-02. Review status: criteria provided, single submitter. Criteria: GeneDx Variant Classification Process June 2021. Collection method: clinical testing. Allele origin: germline. Affected: yes.
Comment: Not observed at significant frequency in large population cohorts (gnomAD); In silico analysis supports that this missense variant has a deleterious effect on protein structure/function; Has not been previously published as pathogenic or benign to our knowledge

NM_018082.6(POLR3B):c.2732T>C (p.Val911Ala)

Gene: POLR3B (RNA polymerase III subunit B; plus strand). Cytogenetic location: 12q23.3.
Variant type: single nucleotide variant.
Coding change: c.2732T>C on transcript NM_018082.6 (MANE Select); coding-DNA position 2732, T replaced by C.
Protein change: p.Val911Ala; replaces valine 911 with alanine.
Molecular consequence: missense variant.
Genome position (GRCh38, 1-based): chr12:106,496,073, T>C. VCF-style: chr12-106496073-T-C. GRCh37 (hg19) VCF-style: chr12-106889851-T-C.
Other names: c.2558T>C, p.Val853Ala (NM_001160708.2); short protein forms V853A, V911A.
Identifiers: ClinVar variation 1304347 (VCV001304347.3), dbSNP rs2137074616, ClinGen allele CA386392539.